The following is an entry in ClinVar:

NM_022051.3(EGLN1):c.445C>G (p.Pro149Ala)

Gene: EGLN1 (egl-9 family hypoxia inducible factor 1; minus strand). Cytogenetic location: 1q42.2.
Variant type: single nucleotide variant.
Coding change: c.445C>G on transcript NM_022051.3 (MANE Select); coding-DNA position 445, C replaced by G.
Protein change: p.Pro149Ala; replaces proline 149 with alanine.
Molecular consequence: missense variant.
Genome position (GRCh38, 1-based): chr1:231,421,444, G>C on the plus strand (C>G on the coding strand, the complement: EGLN1 is on the minus strand). VCF-style: chr1-231421444-G-C. GRCh37 (hg19) VCF-style: chr1-231557190-G-C.
Other names: c.445C>G, p.Pro149Ala (NM_001377260.1, NM_001377261.1); short protein forms P149A.
Identifiers: ClinVar variation 1740758 (VCV001740758.3), dbSNP rs374893731, ClinGen allele CA345236970.

ClinVar aggregate classification (germline): Uncertain significance (1 of 4 stars; one submission).

Submission:

Ambry Genetics
Classification: Uncertain significance. Last evaluated: 2024-09-23. Review status: criteria provided, single submitter. Criteria: Ambry Variant Classification Scheme 2023. Collection method: clinical testing. Allele origin: germline.
Comment: The p.P149A variant (also known as c.445C>G), located in coding exon 1 of the EGLN1 gene, results from a C to G substitution at nucleotide position 445. The proline at codon 149 is replaced by alanine, an amino acid with highly similar properties. This amino acid position is conserved. In addition, this alteration is predicted to be tolerated by in silico analysis. Since supporting evidence is limited at this time, the clinical significance of this alteration remains unclear.